The following is an entry in ClinVar:

NM_019032.6(ADAMTSL4):c.1583_1601del (p.Arg528fs)

Genes: ADAMTSL4 (ADAMTS like 4; plus strand), ADAMTSL4-AS2 (ADAMTSL4 antisense RNA 2; minus strand). Cytogenetic location: 1q21.2.
Variant type: Deletion.
Coding change: c.1583_1601del on transcript NM_019032.6 (MANE Select); coding-DNA positions 1583 to 1601, 19 bases deleted (GTGGCCCTGGGGGCCGGTC).
Protein change: p.Arg528fs; shifts the reading frame from arginine 528.
Molecular consequence: frameshift variant. On other transcripts: non-coding transcript variant (2).
Genome position (GRCh38, 1-based): chr1:150,556,627-150,556,645, GTGGCCCTGGGGGCCGGTC deleted; deleting any 19 consecutive bases within chr1:150,556,625-150,556,645 gives the same sequence; the c. name uses the placement nearest the transcript's 3' end. VCF-style (leftmost placement, unchanged base first): chr1-150556624-TTCGTGGCCCTGGGGGCCGG-T. GRCh37 (hg19) VCF-style: chr1-150529100-TTCGTGGCCCTGGGGGCCGG-T.
Other names: c.1583_1601del, p.Arg528fs (NM_025008.5, NM_001378596.1); c.1652_1670del, p.Arg551fs (NM_001288607.2, NM_001288608.2); short protein forms R528fs, R551fs.
Identifiers: ClinVar variation 2710140 (VCV002710140.3), dbSNP rs2526705625, ClinGen allele CA2697554526.

ClinVar aggregate classification (germline): Pathogenic (1 of 4 stars; one submission).

Submission:

Labcorp Genetics (formerly Invitae), Labcorp
Classification: Pathogenic. Last evaluated: 2025-01-23. Review status: criteria provided, single submitter. Criteria: Invitae Variant Classification Sherloc (09022015). Collection method: clinical testing. Allele origin: germline.
Comment: This sequence change creates a premature translational stop signal (p.Arg528Profs*51) in the ADAMTSL4 gene. It is expected to result in an absent or disrupted protein product. Loss-of-function variants in ADAMTSL4 are known to be pathogenic (PMID: 20564469, 28642162). This variant is not present in population databases (gnomAD no frequency). This variant has not been reported in the literature in individuals affected with ADAMTSL4-related conditions. ClinVar contains an entry for this variant (Variation ID: 2710140). For these reasons, this variant has been classified as Pathogenic.

Literature cited by the submitters: PubMed 20564469; PubMed 28642162.